The following is an entry in ClinVar:

ClinVar aggregate classification (germline): Uncertain significance. Review status: criteria provided, single submitter (1 of 4 stars). 4 submissions from 4 submitters: Uncertain significance (1). 3 of the submissions do not count toward it. Last evaluated 2024-12-23.

Conditions:
Focal segmental glomerulosclerosis 2 (FSGS2). Identifiers: Orphanet 656, MedGen C1858915, MONDO:0011390, OMIM 603965.

Allele frequency attached by ClinVar (database versions not stated): gnomAD exomes 0.00005; ExAC 0.00007; gnomAD 0.00017 and 0.00018; TOPMed 0.00021; 1000 Genomes Project 0.00040; 1000 Genomes Project 30x 0.00078.
gnomAD v4.1: 62 of 1,614,144 alleles (0.0038%); highest among the groups gnomAD compares: African/African-American, 0.059%; no homozygotes.

Submissions (4):

Labcorp Genetics (formerly Invitae), Labcorp
Classification: Uncertain significance. Last evaluated: 2024-12-23. Review status: criteria provided, single submitter. Criteria: Invitae Variant Classification Sherloc (09022015). Collection method: clinical testing. Allele origin: germline.
Comment: This sequence change replaces asparagine, which is neutral and polar, with serine, which is neutral and polar, at codon 143 of the TRPC6 protein (p.Asn143Ser). This variant is present in population databases (rs121434391, gnomAD 0.05%), and has an allele count higher than expected for a pathogenic variant. This missense change has been observed in individual(s) with focal segmental glomerulosclerosis (PMID: 15924139). ClinVar contains an entry for this variant (Variation ID: 6152). Invitae Evidence Modeling of protein sequence and biophysical properties (such as structural, functional, and spatial information, amino acid conservation, physicochemical variation, residue mobility, and thermodynamic stability) indicates that this missense variant is not expected to disrupt TRPC6 protein function with a negative predictive value of 95%. Experimental studies are conflicting or provide insufficient evidence to determine the effect of this variant on TRPC6 function (PMID: 15924139, 19129465, 19936226, 21471003, 24598806). In summary, the available evidence is currently insufficient to determine the role of this variant in disease. Therefore, it has been classified as a Variant of Uncertain Significance.

Bioscientia Institut fuer Medizinische Diagnostik GmbH, Sonic Healthcare
Classification: Uncertain significance for Focal segmental glomerulosclerosis 2. Last evaluated: 2019-03-25. Review status: no assertion criteria provided. Collection method: clinical testing. Allele origin: germline. Affected: yes. Not counted in ClinVar's aggregate classification.

Gharavi Laboratory, Columbia University
Classification: Likely benign. Last evaluated: 2018-09-16. Review status: no assertion criteria provided. Criteria: ACMG Guidelines, 2015. Collection method: research. Allele origin: germline. Affected: no. Not counted in ClinVar's aggregate classification.

OMIM
Classification: Pathogenic for FOCAL SEGMENTAL GLOMERULOSCLEROSIS 2. Last evaluated: 2005-07-01. Review status: no assertion criteria provided. Collection method: literature only. Allele origin: germline. Not counted in ClinVar's aggregate classification.

Literature cited by the submitters: PubMed 15924139 (cited by Labcorp Genetics (formerly Invitae), Labcorp and OMIM); PubMed 19129465 (cited by Labcorp Genetics (formerly Invitae), Labcorp); PubMed 19936226 (cited by Labcorp Genetics (formerly Invitae), Labcorp); PubMed 21471003 (cited by Labcorp Genetics (formerly Invitae), Labcorp); PubMed 24598806 (cited by Labcorp Genetics (formerly Invitae), Labcorp).

NM_004621.6(TRPC6):c.428A>G (p.Asn143Ser)

Gene: TRPC6 (transient receptor potential cation channel subfamily C member 6; minus strand). Cytogenetic location: 11q22.1.
Variant type: single nucleotide variant.
Coding change: c.428A>G on transcript NM_004621.6 (MANE Select); coding-DNA position 428, A replaced by G.
Protein change: p.Asn143Ser; replaces asparagine 143 with serine.
Molecular consequence: missense variant.
Genome position (GRCh38, 1-based): chr11:101,504,541, T>C on the plus strand (A>G on the coding strand, the complement: TRPC6 is on the minus strand). VCF-style: chr11-101504541-T-C. GRCh37 (hg19) VCF-style: chr11-101375272-T-C.
Other names: short protein forms N143S.
Identifiers: ClinVar variation 6152 (VCV000006152.8), dbSNP rs121434391, ClinGen allele CA117978.